The following is an entry in ClinVar:

NM_001369.3(DNAH5):c.2599C>T (p.Gln867Ter)

Genes: DNAH5 (dynein axonemal heavy chain 5; minus strand), DNAH5-AS1 (DNAH5 antisense RNA 1; plus strand). Cytogenetic location: 5p15.2.
Variant type: single nucleotide variant.
Coding change: c.2599C>T on transcript NM_001369.3 (MANE Select); coding-DNA position 2599, C replaced by T.
Protein change: p.Gln867Ter; replaces glutamine 867 with a stop codon.
Molecular consequence: nonsense.
Genome position (GRCh38, 1-based): chr5:13,886,108, G>A on the plus strand (C>T on the coding strand, the complement: DNAH5 is on the minus strand). VCF-style: chr5-13886108-G-A. GRCh37 (hg19) VCF-style: chr5-13886217-G-A.
Other names: short protein forms Q867*.
Identifiers: ClinVar variation 1793603 (VCV001793603.9), dbSNP rs1484394072, ClinGen allele CA359196843.

ClinVar aggregate classification (germline): Pathogenic/Likely pathogenic. Review status: criteria provided, multiple submitters, no conflicts (2 of 4 stars). 4 submissions from 4 submitters: Pathogenic (3); Likely pathogenic (1). Last evaluated 2025-04-09.

Conditions:
Respiratory ciliopathies including non-CF bronchiectasis.
Primary ciliary dyskinesia. Also called: Ciliary dyskinesia. Identifiers: Orphanet 244, MedGen C0008780, MONDO:0016575, HP:0012265.
Primary ciliary dyskinesia 3. Identifiers: Orphanet 244, MedGen C1837618, MONDO:0012085, OMIM 608644.

gnomAD v4.1: 11 of 1,559,618 alleles (0.00071%); highest among the groups gnomAD compares: Non-Finnish European, 0.00096%; no homozygotes.

Submissions (4):

NHS Central & South Genomic Laboratory Hub
Classification: Pathogenic for Respiratory ciliopathies including non-CF bronchiectasis. Last evaluated: 2025-04-09. Review status: criteria provided, single submitter. Criteria: ACMG Guidelines, 2015. Collection method: clinical testing. Allele origin: germline. Affected: yes.

Fulgent Genetics
Classification: Likely pathogenic for Primary ciliary dyskinesia 3. Last evaluated: 2024-02-11. Review status: criteria provided, single submitter. Criteria: ACMG Guidelines, 2015. Collection method: clinical testing. Allele origin: germline.

Labcorp Genetics (formerly Invitae), Labcorp
Classification: Pathogenic for Primary ciliary dyskinesia. Last evaluated: 2023-03-14. Review status: criteria provided, single submitter. Criteria: Invitae Variant Classification Sherloc (09022015). Collection method: clinical testing. Allele origin: germline.
Comment: For these reasons, this variant has been classified as Pathogenic. Algorithms developed to predict the effect of sequence changes on RNA splicing suggest that this variant may disrupt the consensus splice site. ClinVar contains an entry for this variant (Variation ID: 1793603). This variant has not been reported in the literature in individuals affected with DNAH5-related conditions. This variant is present in population databases (no rsID available, gnomAD 0.001%). This sequence change creates a premature translational stop signal (p.Gln867*) in the DNAH5 gene. It is expected to result in an absent or disrupted protein product. Loss-of-function variants in DNAH5 are known to be pathogenic (PMID: 11788826, 16627867).

Ambry Genetics
Classification: Pathogenic for Primary ciliary dyskinesia. Last evaluated: 2016-10-07. Review status: criteria provided, single submitter. Criteria: Ambry Variant Classification Scheme 2023. Collection method: clinical testing. Allele origin: germline.
Comment: The p.Q867* pathogenic mutation (also known as c.2599C>T), located in coding exon 18 of the DNAH5 gene, results from a C to T substitution at nucleotide position 2599. This changes the amino acid from a glutamine to a stop codon within coding exon 18. This alteration is expected to result in loss of function by premature protein truncation or nonsense-mediated mRNA decay. As such, this alteration is interpreted as a disease-causing mutation.

Literature cited by the submitters: PubMed 11788826 (cited by Labcorp Genetics (formerly Invitae), Labcorp); PubMed 16627867 (cited by Labcorp Genetics (formerly Invitae), Labcorp).